The following is an entry in ClinVar:

NM_020975.6(RET):c.1297T>C (p.Phe433Leu)

Gene: RET (ret proto-oncogene; plus strand). Cytogenetic location: 10q11.21.
Variant type: single nucleotide variant.
Coding change: c.1297T>C on transcript NM_020975.6 (MANE Select); coding-DNA position 1297, T replaced by C.
Protein change: p.Phe433Leu; replaces phenylalanine 433 with leucine.
Molecular consequence: missense variant.
Genome position (GRCh38, 1-based): chr10:43,111,240, T>C. VCF-style: chr10-43111240-T-C. GRCh37 (hg19) VCF-style: chr10-43606688-T-C.
Other names: c.1297T>C, p.Phe433Leu (NM_000323.2, NM_001406743.1, NM_001406744.1 and 6 more transcripts); c.535T>C, p.Phe179Leu (NM_001355216.2); c.1168T>C, p.Phe390Leu (NM_001406761.1, NM_001406762.1, NM_001406764.1 and 1 more transcripts); c.1009T>C, p.Phe337Leu (NM_001406766.1, NM_001406767.1, NM_001406770.1); c.901T>C, p.Phe301Leu (NM_001406769.1, NM_001406772.1); c.859T>C, p.Phe287Leu (NM_001406771.1, NM_001406773.1); c.772T>C, p.Phe258Leu (NM_001406774.1); c.571T>C, p.Phe191Leu (NM_001406775.1, NM_001406776.1, NM_001406777.1 and 1 more transcripts); and 1 more; short protein forms F337L, F179L, F191L, F258L, F301L, F390L, F433L, F103L.
Identifiers: ClinVar variation 1769253 (VCV001769253.2), dbSNP rs2538440442, ClinGen allele CA376548931.

ClinVar aggregate classification (germline): Uncertain significance (1 of 4 stars; one submission).

Conditions:
Hereditary cancer-predisposing syndrome. Also called: Hereditary Cancer Syndrome; Hereditary neoplastic syndrome; Neoplastic Syndromes, Hereditary; Tumor predisposition. Identifiers: Orphanet 140162, MedGen C0027672, MeSH D009386, MONDO:0015356.

Allele frequency attached by ClinVar (database versions not stated): gnomAD exomes below 0.00001.
gnomAD v4.1: 3 of 1,614,060 alleles (0.00019%); highest among the groups gnomAD compares: Non-Finnish European, 0.00025%; no homozygotes.

Submission:

Ambry Genetics
Classification: Uncertain significance for Hereditary cancer-predisposing syndrome. Last evaluated: 2022-04-22. Review status: criteria provided, single submitter. Criteria: Ambry Variant Classification Scheme 2023. Collection method: clinical testing. Allele origin: germline.
Comment: The p.F433L variant (also known as c.1297T>C), located in coding exon 7 of the RET gene, results from a T to C substitution at nucleotide position 1297. The phenylalanine at codon 433 is replaced by leucine, an amino acid with highly similar properties. This amino acid position is conserved. In addition, this alteration is predicted to be tolerated by in silico analysis. Since supporting evidence is limited at this time, the clinical significance of this alteration remains unclear.